The following is an entry in ClinVar:

NM_020066.5(FMN2):c.1488G>A (p.Val496=)

Gene: FMN2 (formin 2; plus strand). Cytogenetic location: 1q43.
Variant type: single nucleotide variant.
Coding change: c.1488G>A on transcript NM_020066.5 (MANE Select); coding-DNA position 1488, G replaced by A.
Protein change: p.Val496=; no amino-acid change (valine 496 retained).
Molecular consequence: synonymous variant.
Genome position (GRCh38, 1-based): chr1:240,093,597, G>A. VCF-style: chr1-240093597-G-A. GRCh37 (hg19) VCF-style: chr1-240256897-G-A.
Other names: c.1488G>A, p.Val496= (NM_001305424.2, NM_001348094.2).
Identifiers: ClinVar variation 4979973 (VCV004979973.1).

ClinVar aggregate classification (germline): Likely benign (1 of 4 stars; one submission).

Conditions:
FMN2-related disorder. Also called: FMN2-related condition.

gnomAD v4.1: 4 of 1,438,008 alleles (0.00028%); highest among the groups gnomAD compares: South Asian, 0.0061%; no homozygotes.

Submission:

PreventionGenetics, part of Exact Sciences
Classification: Likely benign for FMN2-related condition. Last evaluated: 2025-09-08. Review status: criteria provided, single submitter. Criteria: ACMG Guidelines, 2015. Collection method: clinical testing. Allele origin: germline.
Comment: This variant is classified as likely benign based on ACMG/AMP sequence variant interpretation guidelines (Richards et al. 2015 PMID: 25741868, with internal and published modifications).